The following is an entry in ClinVar:

NM_000059.4(BRCA2):c.4448C>T (p.Thr1483Ile)

Gene: BRCA2 (BRCA2 DNA repair associated; plus strand). Cytogenetic location: 13q13.1.
Variant type: single nucleotide variant.
Coding change: c.4448C>T on transcript NM_000059.4 (MANE Select); coding-DNA position 4448, C replaced by T.
Protein change: p.Thr1483Ile; replaces threonine 1483 with isoleucine.
Molecular consequence: missense variant.
Genome position (GRCh38, 1-based): chr13:32,338,803, C>T. VCF-style: chr13-32338803-C-T. GRCh37 (hg19) VCF-style: chr13-32912940-C-T.
Other names: c.4448C>T, p.Thr1483Ile (NM_001406719.1, NM_001406720.1); short protein forms T1483I.
Identifiers: ClinVar variation 1740657 (VCV001740657.4), dbSNP rs2137506455, ClinGen allele CA387781369.

ClinVar aggregate classification (germline): Conflicting classifications of pathogenicity. Review status: criteria provided, conflicting classifications (1 of 4 stars). 2 submissions from 2 submitters: Uncertain significance (1); Likely benign (1). Last evaluated 2023-03-23.

Conditions:
Hereditary cancer-predisposing syndrome. Also called: Hereditary Cancer Syndrome; Hereditary neoplastic syndrome; Neoplastic Syndromes, Hereditary; Tumor predisposition. Identifiers: Orphanet 140162, MedGen C0027672, MeSH D009386, MONDO:0015356.

Submissions (2):

University of Washington Department of Laboratory Medicine, University of Washington
Classification: Likely benign for Hereditary cancer-predisposing syndrome. Last evaluated: 2023-03-23. Review status: criteria provided, single submitter. Criteria: Dines et al. (Genet Med. 2020). Collection method: curation. Allele origin: germline.
Comment: Missense variant in a coldspot region where missense variants are very unlikely to be pathogenic (PMID:31911673).

BRCA2 exon 11 coldspot. Reclassification based on statistical prior probability.

Ambry Genetics
Classification: Uncertain significance for Hereditary cancer-predisposing syndrome. Last evaluated: 2022-05-10. Review status: criteria provided, single submitter. Criteria: Ambry Variant Classification Scheme 2023. Collection method: clinical testing. Allele origin: germline.
Comment: The p.T1483I variant (also known as c.4448C>T), located in coding exon 10 of the BRCA2 gene, results from a C to T substitution at nucleotide position 4448. The threonine at codon 1483 is replaced by isoleucine, an amino acid with similar properties. This amino acid position is conserved. In addition, this alteration is predicted to be tolerated by in silico analysis. Since supporting evidence is limited at this time, the clinical significance of this alteration remains unclear.